The following is an entry in ClinVar:

NM_152263.4(TPM3):c.*1291A>G

Gene: TPM3 (tropomyosin 3; minus strand). Cytogenetic location: 1q21.3.
Variant type: single nucleotide variant.
Coding change: c.*1291A>G on transcript NM_152263.4 (MANE Select); 1291 bases downstream of the stop codon, A replaced by G.
Molecular consequence: 3 prime UTR variant. On other transcripts: intron variant (12).
Genome position (GRCh38, 1-based): chr1:154,166,646, T>C on the plus strand (A>G on the coding strand, the complement: TPM3 is on the minus strand). VCF-style: chr1-154166646-T-C. GRCh37 (hg19) VCF-style: chr1-154139122-T-C.
Other names: c.*1291A>G (NM_001364682.1, NM_001364683.1); c.775+3754A>G (NM_001364679.2, NM_001364681.2, NM_001364680.2); c.466+3754A>G (NM_001278188.2); c.664+3754A>G (NM_001043351.2, NM_001043353.2, NM_153649.4 and 1 more transcripts); c.743+2659A>G (NM_001349679.2, NM_001278189.2); c.601+3754A>G (NM_001278190.2); c.394+3754A>G (NM_001278191.2).
Identifiers: ClinVar variation 292676 (VCV000292676.5), dbSNP rs375670563, ClinGen allele CA10607726.
Genomic context (GRCh38, chr1:154,166,646, plus strand): 5'-GGAAACTAAAGTACTAAGTGAACAACACTTACGTGCTTGGATTAGTATAATTCACAGCTA[T>C]ACTATTAAGAAATCTCTGCTGTGTAAATTGGAATGCGAATTCCTTTTTTTTTTTTGAGAT-3'

ClinVar aggregate classification (germline): Benign. Review status: criteria provided, single submitter (1 of 4 stars). 2 submissions from 1 submitter: Benign (2). Last evaluated 2018-01-13.

Conditions:
Congenital myopathy with fiber type disproportion. Also called: Congenital fiber-type disproportion myopathy; Congenital fiber-type disproportion. Identifiers: Orphanet 2020, MedGen C0546264, MONDO:0009711. Inheritance: all.
Congenital myopathy 4B, autosomal recessive. Also called: Nemaline myopathy 1, autosomal dominant or recessive. Identifiers: Orphanet 171433, Orphanet 171439, Orphanet 171881, MedGen C5829889, MONDO:0012239, OMIM 609284.

Allele frequency attached by ClinVar (database versions not stated): gnomAD exomes 0.00068; gnomAD 0.00094 and 0.00006; 1000 Genomes Project 30x 0.00765; TOPMed 0.00019; 1000 Genomes Project 0.00719.
gnomAD v4.1: 800 of 1,033,428 alleles (0.077%); highest among the groups gnomAD compares: South Asian, 3.2%; 9 homozygotes.

Submissions (2):

Illumina Laboratory Services, Illumina
Classification: Benign for Congenital myopathy 4A, autosomal dominant. Last evaluated: 2018-01-13. Review status: criteria provided, single submitter. Criteria: ICSL Variant Classification Criteria 13 December 2019. Collection method: clinical testing. Allele origin: germline.
Comment: This variant was observed in the ICSL laboratory as part of a predisposition screen in an ostensibly healthy population. It had not been previously curated by ICSL or reported in the Human Gene Mutation Database (HGMD: prior to June 1st, 2018), and was therefore a candidate for classification through an automated scoring system. Utilizing variant allele frequency, disease prevalence and penetrance estimates, and inheritance mode, an automated score was calculated to assess if this variant is too frequent to cause the disease. Based on the score and internal cut-off values, a variant classified as benign is not then subjected to further curation. The score for this variant resulted in a classification of benign for this disease.

Illumina Laboratory Services, Illumina
Classification: Benign for Congenital myopathy 4B, autosomal recessive. Last evaluated: 2018-01-13. Review status: criteria provided, single submitter. Criteria: ICSL Variant Classification Criteria 13 December 2019. Collection method: clinical testing. Allele origin: germline.
Comment: the same text as in the submission from Illumina Laboratory Services, Illumina above.